The following is an entry in ClinVar:

NM_032243.6(TXNDC2):c.930T>C (p.Ser310=)

Gene: TXNDC2 (thioredoxin domain containing 2; plus strand). Cytogenetic location: 18p11.22.
Variant type: single nucleotide variant.
Coding change: c.930T>C on transcript NM_032243.6 (MANE Select); coding-DNA position 930, T replaced by C.
Protein change: p.Ser310=; no amino-acid change (serine 310 retained).
Molecular consequence: synonymous variant.
Genome position (GRCh38, 1-based): chr18:9,887,610, T>C. VCF-style: chr18-9887610-T-C. GRCh37 (hg19) VCF-style: chr18-9887607-T-C.
Other names: c.1131T>C, p.Ser377= (NM_001098529.2); c.930T>C, p.Ser310= (NM_001098530.1).
Identifiers: ClinVar variation 2648577 (VCV002648577.24), dbSNP rs1177159224, ClinGen allele CA503241133.
Genomic context (GRCh38, chr18:9,887,610, plus strand): 5'-TGACATCCCCAAGTCCCCAGAAGAAGCCATCCAGCCCAAGGAGGGTGACATTCCCAAGTC[T>C]CCAAAACAAGCCATCCAGCCCAAGGAGGGTGACATTCCCAAGTCCCTAGAGGAAGCCATC-3'
Protein context (NP_115619.4, residues 300-320): IQPKEGDIPK[Ser310=]PKQAIQPKEG

ClinVar aggregate classification (germline): Likely benign (1 of 4 stars; one submission).

Submission:

CeGaT Center for Human Genetics Tuebingen
Classification: Likely benign. Last evaluated: 2026-01-01. Review status: criteria provided, single submitter. Criteria: CeGaT Center For Human Genetics Tuebingen Variant Classification Criteria Version 2. Collection method: clinical testing. Allele origin: germline. Affected: yes. Observed: 4 variant alleles.
Comment: TXNDC2: BP4, BP7